The following is an entry in ClinVar:

ClinVar aggregate classification (germline): Likely benign. Review status: criteria provided, multiple submitters, no conflicts (2 of 4 stars). 2 submissions from 2 submitters: Likely benign (2). Last evaluated 2025-02-01.

Allele frequency attached by ClinVar (database versions not stated): gnomAD exomes 0.00015; gnomAD 0.00023; ExAC 0.00040; 1000 Genomes Project 0.00100.
gnomAD v4.1: 233 of 1,450,856 alleles (0.016%); highest among the groups gnomAD compares: African/African-American, 0.055%; 1 homozygote.

Submissions (2):

CeGaT Center for Human Genetics Tuebingen
Classification: Likely benign. Last evaluated: 2025-02-01. Review status: criteria provided, single submitter. Criteria: CeGaT Center For Human Genetics Tuebingen Variant Classification Criteria Version 2. Collection method: clinical testing. Allele origin: germline. Affected: yes. Observed: 2 variant alleles.
Comment: MN1: BP4, BP7

Blueprint Genetics
Classification: Likely benign. Last evaluated: 2024-09-03. Review status: criteria provided, single submitter. Criteria: ACMG Guidelines, 2015. Collection method: clinical testing. Allele origin: germline.

NM_002430.3(MN1):c.1632A>G (p.Gln544=)

Gene: MN1 (MN1 proto-oncogene, transcriptional regulator; minus strand). Cytogenetic location: 22q12.1.
Variant type: single nucleotide variant.
Coding change: c.1632A>G on transcript NM_002430.3 (MANE Select); coding-DNA position 1632, A replaced by G.
Protein change: p.Gln544=; no amino-acid change (glutamine 544 retained).
Molecular consequence: synonymous variant.
Genome position (GRCh38, 1-based): chr22:27,798,912, T>C on the plus strand (A>G on the coding strand, the complement: MN1 is on the minus strand). VCF-style: chr22-27798912-T-C. GRCh37 (hg19) VCF-style: chr22-28194900-T-C.
Identifiers: ClinVar variation 3024846 (VCV003024846.23), dbSNP rs530519178, ClinGen allele CA10166360.